The following is an entry in ClinVar:

ClinVar aggregate classification (germline): Pathogenic (1 of 4 stars; one submission).

Submission:

ISCA site 4
Classification: Pathogenic. Last evaluated: 2013-01-31. Review status: criteria provided, single submitter. Criteria: Kaminsky et al. (Genet Med. 2011). Collection method: clinical testing. Allele origin: unknown. Affected: yes. Observed: 1 variant allele.
Comment: Copy number variation identified through the course of routine clinical cytogenomic testing in postnatal populations. Clinical assertions have been curated as described in Kaminsky et al. 2011.

GRCh38/hg38 Yq11.222-12(chrY:18664321-26637948)x2

Genes: BPY2 (basic charge Y-linked 2; plus strand), BPY2B (basic charge Y-linked 2B; plus strand), BPY2C (basic charge Y-linked 2C; minus strand), CDY1 (chromodomain Y-linked 1; plus strand), CDY1B (chromodomain Y-linked 1B; minus strand) and 45 more. Cytogenetic location: Yq11.222-12.
Variant type: copy number gain.
Change: copy number 2 of chrY:18,664,321-26,637,948 (7.97 Mb, GRCh38 coordinates, 1-based), cytogenetic band Yq11.222-12.
Identifiers: ClinVar variation 146481 (VCV000146481.2).